The following is an entry in ClinVar:

NM_000372.5(TYR):c.721G>A (p.Ala241Thr)

Gene: TYR (tyrosinase; plus strand). Cytogenetic location: 11q14.3.
Variant type: single nucleotide variant.
Coding change: c.721G>A on transcript NM_000372.5 (MANE Select); coding-DNA position 721, G replaced by A.
Protein change: p.Ala241Thr; replaces alanine 241 with threonine.
Molecular consequence: missense variant.
Genome position (GRCh38, 1-based): chr11:89,178,674, G>A. VCF-style: chr11-89178674-G-A. GRCh37 (hg19) VCF-style: chr11-88911842-G-A.
Other names: short protein forms A241T.
Identifiers: ClinVar variation 2137231 (VCV002137231.4), dbSNP rs538081629, ClinGen allele CA6221178.

ClinVar aggregate classification (germline): Uncertain significance. Review status: criteria provided, multiple submitters, no conflicts (2 of 4 stars). 3 submissions from 3 submitters: Uncertain significance (3). Last evaluated 2024-09-09.

Conditions:
Oculocutaneous albinism type 1A (OCA1A). Also called: Albinism, oculocutaneous, type IA. Identifiers: Orphanet 352731, Orphanet 79431, MedGen C4551504, MONDO:0008745, OMIM 203100. Disease mechanism: loss of function.
Oculocutaneous albinism type 1B (OCA1B). Also called: ALBINISM, OCULOCUTANEOUS, TYPE IB; ALBINISM, YELLOW MUTANT TYPE; YELLOW ALBINISM. Identifiers: Orphanet 352731, Orphanet 352737, Orphanet 79434, MedGen C1847024, MONDO:0011749, OMIM 606952.

Allele frequency attached by ClinVar (database versions not stated): ExAC 0.00002; gnomAD exomes 0.00002; gnomAD 0.00003; TOPMed 0.00005; 1000 Genomes Project 30x 0.00031; 1000 Genomes Project 0.00040.

Submissions (3):

Women's Health and Genetics/Laboratory Corporation of America, LabCorp
Classification: Uncertain significance. Last evaluated: 2024-09-09. Review status: criteria provided, single submitter. Criteria: LabCorp Variant Classification Summary - May 2015. Collection method: clinical testing. Allele origin: germline.
Comment: Variant summary: TYR c.721G>A (p.Ala241Thr) results in a non-conservative amino acid change located in the Tyrosinase copper-binding domain (IPR002227) of the encoded protein sequence. Four of five in-silico tools predict a damaging effect of the variant on protein function. The variant allele was found at a frequency of 3.6e-05 in 251072 control chromosomes. The available data on variant occurrences in the general population are insufficient to allow any conclusion about variant significance. c.721G>A has been reported in the literature in heterozygous individuals affected withInherited Retinal dystrophy (Wang_2017) and oculocutaneous a lbinism (Lin_2014), however both of these cases were reported with causal variants in other genes. These report(s) do not provide unequivocal conclusions about association of the variant with Oculocutaneous Albinism. To our knowledge, no experimental evidence demonstrating an impact on protein function has been reported. The following publications have been ascertained in the context of this evaluation (PMID: 28838317, 24721949). ClinVar contains an entry for this variant (Variation ID: 2137231). Based on the evidence outlined above, the variant was classified as uncertain significance.

Labcorp Genetics (formerly Invitae), Labcorp
Classification: Uncertain significance. Last evaluated: 2022-06-16. Review status: criteria provided, single submitter. Criteria: Invitae Variant Classification Sherloc (09022015). Collection method: clinical testing. Allele origin: germline.
Comment: This sequence change replaces alanine, which is neutral and non-polar, with threonine, which is neutral and polar, at codon 241 of the TYR protein (p.Ala241Thr). This variant is present in population databases (rs538081629, gnomAD 0.02%). This missense change has been observed in individual(s) with oculocutaneous albinism (PMID: 27734839). Advanced modeling of protein sequence and biophysical properties (such as structural, functional, and spatial information, amino acid conservation, physicochemical variation, residue mobility, and thermodynamic stability) performed at Invitae indicates that this missense variant is expected to disrupt TYR protein function. In summary, the available evidence is currently insufficient to determine the role of this variant in disease. Therefore, it has been classified as a Variant of Uncertain Significance.

Juno Genomics, Hangzhou Juno Genomics, Inc
Classification: Uncertain significance for Oculocutaneous albinism type 1A; Oculocutaneous albinism type 1B. Review status: criteria provided, single submitter. Criteria: ACMG Guidelines, 2015. Collection method: clinical testing. Allele origin: germline.
Comment: Absent from controls (or at extremely low frequency if recessive) in Genome Aggregation Database.;Patient's phenotype or family history is highly specific for a disease with a single genetic etiology.

Literature cited by the submitters: PubMed 28838317 (cited by Women's Health and Genetics/Laboratory Corporation of America, LabCorp); PubMed 24721949 (cited by Women's Health and Genetics/Laboratory Corporation of America, LabCorp); PubMed 27734839 (cited by Labcorp Genetics (formerly Invitae), Labcorp).